The following is an entry in ClinVar:

ClinVar aggregate classification (germline): Uncertain significance (1 of 4 stars; one submission).

Allele frequency attached by ClinVar (database versions not stated): gnomAD exomes 0.00002 and 0.00004; ExAC 0.00006; TOPMed 0.00014; gnomAD 0.00018; ESP Exome Variant Server 0.00023; 1000 Genomes Project 30x 0.00031; 1000 Genomes Project 0.00040.
gnomAD v4.1: 52 of 1,542,342 alleles (0.0034%); highest among the groups gnomAD compares: African/African-American, 0.058%; no homozygotes.

Submission:

Labcorp Genetics (formerly Invitae), Labcorp
Classification: Uncertain significance. Last evaluated: 2021-08-10. Review status: criteria provided, single submitter. Criteria: Invitae Variant Classification Sherloc (09022015). Collection method: clinical testing. Allele origin: germline.
Comment: This sequence change replaces tyrosine with histidine at codon 243 of the DGAT1 protein (p.Tyr243His). The tyrosine residue is highly conserved and there is a moderate physicochemical difference between tyrosine and histidine. This variant is present in population databases (rs146322937, ExAC 0.07%). This variant has not been reported in the literature in individuals affected with DGAT1-related conditions. Algorithms developed to predict the effect of missense changes on protein structure and function (SIFT, PolyPhen-2, Align-GVGD) all suggest that this variant is likely to be disruptive. In summary, the available evidence is currently insufficient to determine the role of this variant in disease. Therefore, it has been classified as a Variant of Uncertain Significance.

NM_012079.6(DGAT1):c.727T>C (p.Tyr243His)

Gene: DGAT1 (diacylglycerol O-acyltransferase 1; minus strand). Cytogenetic location: 8q24.3.
Variant type: single nucleotide variant.
Coding change: c.727T>C on transcript NM_012079.6 (MANE Select); coding-DNA position 727, T replaced by C.
Protein change: p.Tyr243His; replaces tyrosine 243 with histidine.
Molecular consequence: missense variant.
Genome position (GRCh38, 1-based): chr8:144,318,119, A>G on the plus strand (T>C on the coding strand, the complement: DGAT1 is on the minus strand). VCF-style: chr8-144318119-A-G. GRCh37 (hg19) VCF-style: chr8-145541782-A-G.
Other names: short protein forms Y243H.
Identifiers: ClinVar variation 1442955 (VCV001442955.3), dbSNP rs146322937, ClinGen allele CA4936882.
Genomic context (GRCh38, chr8:144,318,119, plus strand): 5'-CTGTCCCCCGCACCTCAGGCCCACAGAGGTCCTCACCGCGGTAGGTCAGATTGTCCGGGT[A>G]GCTCACGGTGTGCGGGGCAGCAGCACTGCTGGCCTTCTTCCCTGCAGAGGCTACGAGCAC-3'
Protein context (NP_036211.2, residues 233-253): SSAAAPHTVS[Tyr243His]PDNLTYRDLY